The following is an entry in ClinVar:

ClinVar aggregate classification (germline): Uncertain significance. Review status: criteria provided, multiple submitters, no conflicts (2 of 4 stars). 2 submissions from 2 submitters: Uncertain significance (2). Last evaluated 2025-04-01.

Conditions:
Inborn genetic diseases. Identifiers: MedGen C0950123, MeSH D030342.

Allele frequency attached by ClinVar (database versions not stated): gnomAD 0.00003; gnomAD exomes 0.00003; TOPMed 0.00003; ESP Exome Variant Server 0.00015; ExAC 0.00014.
gnomAD v4.1: 50 of 1,585,558 alleles (0.0032%); highest among the groups gnomAD compares: Non-Finnish European, 0.0041%; no homozygotes.

Submissions (2):

Mayo Clinic Laboratories, Mayo Clinic
Classification: Uncertain significance. Last evaluated: 2025-04-01. Review status: criteria provided, single submitter. Criteria: ACMG Guidelines, 2015. Collection method: clinical testing. Allele origin: germline. Observed: 1 variant allele.
Comment: PP3

Ambry Genetics
Classification: Uncertain significance for Inborn genetic diseases. Last evaluated: 2024-02-22. Review status: criteria provided, single submitter. Criteria: Ambry Variant Classification Scheme 2023. Collection method: clinical testing. Allele origin: germline.

NM_031475.3(ESPN):c.2264G>A (p.Arg755His)

Gene: ESPN (espin; plus strand). Cytogenetic location: 1p36.31.
Variant type: single nucleotide variant.
Coding change: c.2264G>A on transcript NM_031475.3 (MANE Select); coding-DNA position 2264, G replaced by A.
Protein change: p.Arg755His; replaces arginine 755 with histidine.
Molecular consequence: missense variant.
Genome position (GRCh38, 1-based): chr1:6,452,035, G>A. VCF-style: chr1-6452035-G-A. GRCh37 (hg19) VCF-style: chr1-6512095-G-A.
Other names: p.Arg755His; c.2174G>A, p.Arg725His (NM_001367473.1); c.2201G>A, p.Arg734His (NM_001367474.1); short protein forms R755H, R725H, R734H.
Identifiers: ClinVar variation 3090487 (VCV003090487.2), dbSNP rs199641142, ClinGen allele CA560440.